The following is an entry in ClinVar:

ClinVar aggregate classification (germline): Uncertain significance (1 of 4 stars; one submission).

Allele frequency attached by ClinVar (database versions not stated): gnomAD exomes below 0.00001.
gnomAD v4.1: 1 of 1,614,164 alleles (0.000062%); no homozygotes.

Submission:

Labcorp Genetics (formerly Invitae), Labcorp
Classification: Uncertain significance. Last evaluated: 2022-06-12. Review status: criteria provided, single submitter. Criteria: Invitae Variant Classification Sherloc (09022015). Collection method: clinical testing. Allele origin: germline.
Comment: This variant has not been reported in the literature in individuals affected with SLC26A5-related conditions. This variant is not present in population databases (gnomAD no frequency). Advanced modeling of protein sequence and biophysical properties (such as structural, functional, and spatial information, amino acid conservation, physicochemical variation, residue mobility, and thermodynamic stability) performed at Invitae indicates that this missense variant is not expected to disrupt SLC26A5 protein function. In summary, the available evidence is currently insufficient to determine the role of this variant in disease. Therefore, it has been classified as a Variant of Uncertain Significance. This sequence change replaces isoleucine, which is neutral and non-polar, with threonine, which is neutral and polar, at codon 156 of the SLC26A5 protein (p.Ile156Thr).

NM_198999.3(SLC26A5):c.467T>C (p.Ile156Thr)

Gene: SLC26A5 (solute carrier family 26 member 5; minus strand). Cytogenetic location: 7q22.1.
Variant type: single nucleotide variant.
Coding change: c.467T>C on transcript NM_198999.3 (MANE Select); coding-DNA position 467, T replaced by C.
Protein change: p.Ile156Thr; replaces isoleucine 156 with threonine.
Molecular consequence: missense variant. On other transcripts: non-coding transcript variant (5).
Genome position (GRCh38, 1-based): chr7:103,411,523, A>G on the plus strand (T>C on the coding strand, the complement: SLC26A5 is on the minus strand). VCF-style: chr7-103411523-A-G. GRCh37 (hg19) VCF-style: chr7-103051970-A-G.
Other names: c.467T>C, p.Ile156Thr (NM_001167962.2, NM_001321787.2, NM_206883.3 and 2 more transcripts); short protein forms I156T.
Identifiers: ClinVar variation 2111897 (VCV002111897.4), dbSNP rs1221109930, ClinGen allele CA368766866.